The following is an entry in ClinVar:

NM_003640.5(ELP1):c.2378C>G (p.Thr793Arg)

Gene: ELP1 (elongator acetyltransferase complex subunit 1; minus strand). Cytogenetic location: 9q31.3.
Variant type: single nucleotide variant.
Coding change: c.2378C>G on transcript NM_003640.5 (MANE Select); coding-DNA position 2378, C replaced by G.
Protein change: p.Thr793Arg; replaces threonine 793 with arginine.
Molecular consequence: missense variant.
Genome position (GRCh38, 1-based): chr9:108,897,271, G>C on the plus strand (C>G on the coding strand, the complement: ELP1 is on the minus strand). VCF-style: chr9-108897271-G-C. GRCh37 (hg19) VCF-style: chr9-111659551-G-C.
Other names: c.2036C>G, p.Thr679Arg (NM_001318360.2); c.1331C>G, p.Thr444Arg (NM_001330749.2); short protein forms T793R, T444R, T679R.
Identifiers: ClinVar variation 969079 (VCV000969079.8), dbSNP rs201596987, ClinGen allele CA197533290.

ClinVar aggregate classification (germline): Uncertain significance. Review status: criteria provided, multiple submitters, no conflicts (2 of 4 stars). 3 submissions from 3 submitters: Uncertain significance (2). 1 of the submissions does not count toward it. Last evaluated 2026-01-05.

Conditions:
Familial dysautonomia. Also called: HSAN III; FD. Identifiers: Orphanet 1764, MedGen C0013364, MONDO:0009131, OMIM 223900. Disease mechanism: loss of function.

Allele frequency attached by ClinVar (database versions not stated): TOPMed 0.00002.
gnomAD v4.1: 9 of 1,613,942 alleles (0.00056%); highest among the groups gnomAD compares: Admixed American, 0.0033%; no homozygotes.

Submissions (3):

Labcorp Genetics (formerly Invitae), Labcorp
Classification: Uncertain significance. Last evaluated: 2026-01-05. Review status: criteria provided, single submitter. Criteria: Invitae Variant Classification Sherloc (09022015). Collection method: clinical testing. Allele origin: germline.
Comment: This sequence change replaces threonine, which is neutral and polar, with arginine, which is basic and polar, at codon 793 of the ELP1 protein (p.Thr793Arg). This variant is present in population databases (no rsID available, gnomAD 0.003%). This variant has not been reported in the literature in individuals affected with ELP1-related conditions. ClinVar contains an entry for this variant (Variation ID: 969079). Invitae Evidence Modeling of protein sequence and biophysical properties (such as structural, functional, and spatial information, amino acid conservation, physicochemical variation, residue mobility, and thermodynamic stability) indicates that this missense variant is expected to disrupt ELP1 protein function with a positive predictive value of 80%. In summary, the available evidence is currently insufficient to determine the role of this variant in disease. Therefore, it has been classified as a Variant of Uncertain Significance.

Ambry Genetics
Classification: Uncertain significance. Last evaluated: 2023-11-27. Review status: criteria provided, single submitter. Criteria: Ambry Variant Classification Scheme 2023. Collection method: clinical testing. Allele origin: germline.

Natera, Inc.
Classification: Uncertain significance for Familial dysautonomia. Last evaluated: 2020-04-20. Review status: no assertion criteria provided. Collection method: clinical testing. Allele origin: germline. Not counted in ClinVar's aggregate classification.